The following is an entry in ClinVar:

ClinVar aggregate classification (germline): Pathogenic. Review status: criteria provided, multiple submitters, no conflicts (2 of 4 stars). 2 submissions from 2 submitters: Pathogenic (2). Last evaluated 2023-04-10.

Submissions (2):

Labcorp Genetics (formerly Invitae), Labcorp
Classification: Pathogenic. Last evaluated: 2023-04-10. Review status: criteria provided, single submitter. Criteria: Invitae Variant Classification Sherloc (09022015). Collection method: clinical testing. Allele origin: germline.
Comment: Algorithms developed to predict the effect of sequence changes on RNA splicing suggest that this variant may disrupt the consensus splice site. This variant has not been reported in the literature in individuals affected with SZT2-related conditions. This variant is not present in population databases (gnomAD no frequency). This sequence change creates a premature translational stop signal (p.Val2027Thrfs*15) in the SZT2 gene. It is expected to result in an absent or disrupted protein product. Loss-of-function variants in SZT2 are known to be pathogenic (PMID: 23932106, 27248490, 28556953). For these reasons, this variant has been classified as Pathogenic.

Institute of Medical Genetics and Applied Genomics, University Hospital Tübingen
Classification: Pathogenic. Last evaluated: 2020-10-23. Review status: criteria provided, single submitter. Criteria: ACMG Guidelines, 2015. Collection method: clinical testing. Allele origin: germline. Inheritance: Unknown mechanism. Affected: yes.

Literature cited by the submitters: PubMed 23932106 (cited by Labcorp Genetics (formerly Invitae), Labcorp); PubMed 27248490 (cited by Labcorp Genetics (formerly Invitae), Labcorp); PubMed 28556953 (cited by Labcorp Genetics (formerly Invitae), Labcorp).

NM_001365999.1(SZT2):c.6250_6253del (p.Val2084fs)

Gene: SZT2 (SZT2 subunit of KICSTOR complex; plus strand). Cytogenetic location: 1p34.2.
Variant type: Microsatellite.
Coding change: c.6250_6253del on transcript NM_001365999.1 (MANE Select); coding-DNA positions 6250 to 6253, 4 bases deleted (GTTT; older notation c.6250_6253delGTTT).
Protein change: p.Val2084fs; shifts the reading frame from valine 2084.
Molecular consequence: frameshift variant.
Genome position (GRCh38, 1-based): chr1:43,437,468-43,437,471, GTTT deleted; deleting any 4 consecutive bases within chr1:43,437,463-43,437,471 gives the same sequence; the c. name uses the placement nearest the transcript's 3' end. VCF-style (leftmost placement, unchanged base first): chr1-43437462-ATGTT-A. GRCh37 (hg19) VCF-style: chr1-43903133-ATGTT-A.
Other names: c.6079_6082del, p.Val2027fs (NM_015284.4); short protein forms V2027fs, V2084fs.
Identifiers: ClinVar variation 987060 (VCV000987060.5), dbSNP rs1654576202, ClinGen allele CA1165616528.